The following is an entry in ClinVar:

NM_007194.4(CHEK2):c.699G>C (p.Glu233Asp)

Gene: CHEK2 (checkpoint kinase 2; minus strand). Cytogenetic location: 22q12.1.
Variant type: single nucleotide variant.
Coding change: c.699G>C on transcript NM_007194.4 (MANE Select); coding-DNA position 699, G replaced by C.
Protein change: p.Glu233Asp; replaces glutamic acid 233 with aspartic acid.
Molecular consequence: missense variant.
Genome position (GRCh38, 1-based): chr22:28,712,002, C>G on the plus strand (G>C on the coding strand, the complement: CHEK2 is on the minus strand). VCF-style: chr22-28712002-C-G. GRCh37 (hg19) VCF-style: chr22-29107990-C-G.
Other names: c.828G>C, p.Glu276Asp (NM_001005735.3); c.36G>C, p.Glu12Asp (NM_001257387.3); c.498G>C, p.Glu166Asp (NM_001349956.3); c.699G>C, p.Glu233Asp (NM_145862.3); short protein forms E233D, E166D, E276D, E12D.
Identifiers: ClinVar variation 483362 (VCV000483362.5), dbSNP rs1555921308, ClinGen allele CA411103463.

ClinVar aggregate classification (germline): Uncertain significance (1 of 4 stars; one submission).

Conditions:
Hereditary cancer-predisposing syndrome. Also called: Neoplastic Syndromes, Hereditary; Tumor predisposition; Hereditary Cancer Syndrome; Hereditary neoplastic syndrome. Identifiers: Orphanet 140162, MedGen C0027672, MeSH D009386, MONDO:0015356.

Submission:

Ambry Genetics
Classification: Uncertain significance for Hereditary cancer-predisposing syndrome. Last evaluated: 2016-03-08. Review status: criteria provided, single submitter. Criteria: Ambry Variant Classification Scheme 2023. Collection method: clinical testing. Allele origin: germline.
Comment: The p.E233D variant (also known as c.699G>C), located in coding exon 5 of the CHEK2 gene, results from a G to C substitution at nucleotide position 699. The glutamic acid at codon 233 is replaced by aspartic acid, an amino acid with highly similar properties. This variant was not reported in population based cohorts in the following databases: Database of Single Nucleotide Polymorphisms (dbSNP), NHLBI Exome Sequencing Project (ESP), and 1000 Genomes Project. In the ESP, this variant was not observed in 6503 samples (13006 alleles) with coverage at this position. To date, this alteration has been detected with an allele frequency of approximately 0.001% (greater than 130000 alleles tested) in our clinical cohort. This amino acid position is highly conserved in available vertebrate species. In addition, the in silico prediction for this alteration is inconclusive. Since supporting evidence is limited at this time, the clinical significance of this alteration remains unclear.